The following is an entry in ClinVar:

ClinVar aggregate classification (germline): Benign/Likely benign. Review status: criteria provided, multiple submitters, no conflicts (2 of 4 stars). 3 submissions from 3 submitters: Benign (1); Likely benign (2). Last evaluated 2026-07-14.

Conditions:
Hereditary cancer-predisposing syndrome. Also called: Hereditary neoplastic syndrome; Neoplastic Syndromes, Hereditary; Tumor predisposition; Hereditary Cancer Syndrome. Identifiers: Orphanet 140162, MedGen C0027672, MeSH D009386, MONDO:0015356.
Rhabdoid tumor predisposition syndrome 2 (RTPS2). Identifiers: Orphanet 231108, Orphanet 69077, MedGen C2750074, MONDO:0013224, OMIM 613325.

Submissions (3):

Myriad Genetics, Inc.
Classification: Benign for Rhabdoid tumor predisposition syndrome 2. Last evaluated: 2026-07-14. Review status: criteria provided, single submitter. Criteria: Myriad Autosomal Dominant, Autosomal Recessive and X-Linked Classification Criteria (2023). Collection method: clinical testing. Allele origin: unknown.
Comment: This variant is considered benign. This variant is a silent/synonymous amino acid change and it is not expected to impact splicing.

Labcorp Genetics (formerly Invitae), Labcorp
Classification: Likely benign for Rhabdoid tumor predisposition syndrome 2. Last evaluated: 2025-09-29. Review status: criteria provided, single submitter. Criteria: Invitae Variant Classification Sherloc (09022015). Collection method: clinical testing. Allele origin: germline.

Ambry Genetics
Classification: Likely benign for Hereditary cancer-predisposing syndrome. Last evaluated: 2018-04-09. Review status: criteria provided, single submitter. Criteria: Ambry Variant Classification Scheme 2023. Collection method: clinical testing. Allele origin: germline.

NM_003072.5(SMARCA4):c.2850C>G (p.Thr950=)

Gene: SMARCA4 (SWI/SNF related BAF chromatin remodeling complex subunit ATPase 4; plus strand). Cytogenetic location: 19p13.2.
Variant type: single nucleotide variant.
Coding change: c.2850C>G on transcript NM_003072.5 (MANE Select); coding-DNA position 2850, C replaced by G.
Protein change: p.Thr950=; no amino-acid change (threonine 950 retained).
Molecular consequence: synonymous variant. On other transcripts: non-coding transcript variant (1).
Genome position (GRCh38, 1-based): chr19:11,021,958, C>G. VCF-style: chr19-11021958-C-G. GRCh37 (hg19) VCF-style: chr19-11132634-C-G.
Other names: c.2850C>G, p.Thr950= (NM_001128844.3, NM_001128845.2, NM_001128846.2 and 4 more transcripts).
Identifiers: ClinVar variation 821888 (VCV000821888.13), dbSNP rs141259126, ClinGen allele CA505743653.